The following is an entry in ClinVar:

ClinVar aggregate classification (germline): Uncertain significance (1 of 4 stars; one submission).

Submission:

Labcorp Genetics (formerly Invitae), Labcorp
Classification: Uncertain significance. Last evaluated: 2021-09-14. Review status: criteria provided, single submitter. Criteria: Invitae Variant Classification Sherloc (09022015). Collection method: clinical testing. Allele origin: germline.
Comment: Experimental studies and prediction algorithms are not available or were not evaluated, and the functional significance of this variant is currently unknown. This variant has not been reported in the literature in individuals affected with PCARE-related conditions. This variant is not present in population databases (ExAC no frequency). This variant, c.1703_1708del, results in the deletion of 2 amino acid(s) of the PCARE protein (p.Glu568_Glu569del), but otherwise preserves the integrity of the reading frame. In summary, the available evidence is currently insufficient to determine the role of this variant in disease. Therefore, it has been classified as a Variant of Uncertain Significance.

NM_001029883.3(PCARE):c.1697AGG[2] (p.Glu568_Glu569del)

Gene: PCARE (photoreceptor cilium actin regulator; minus strand). Cytogenetic location: 2p23.2.
Variant type: Microsatellite.
Coding change: c.1697AGG[2] on transcript NM_001029883.3 (MANE Select); two copies in a row of the 3-base unit AGG starting at c.1697; the reference has four copies in a row; two copies, 6 bases deleted.
Protein change: p.Glu568_Glu569del.
Molecular consequence: inframe deletion.
Genome position (GRCh38, 1-based): chr2:29,072,554-29,072,559, CCTCCT deleted on the plus strand (AGGAGG on the coding strand, the reverse complement: PCARE is on the minus strand); deleting any 6 consecutive bases within chr2:29,072,554-29,072,566 gives the same sequence; the position shown is the placement nearest the transcript's 3' end. VCF-style (leftmost placement, unchanged base first): chr2-29072553-CCCTCCT-C. GRCh37 (hg19) VCF-style: chr2-29295419-CCCTCCT-C.
Identifiers: ClinVar variation 1487582 (VCV001487582.6), dbSNP rs755160338, ClinGen allele CA531766668.